The following is an entry in ClinVar:

ClinVar aggregate classification (germline): Uncertain significance (1 of 4 stars; one submission).

Conditions:
Norman-Roberts syndrome (LIS2). Also called: Lissencephaly 2 (Norman-Roberts type). Identifiers: Orphanet 89844, MedGen C0796089, MONDO:0009760, OMIM 257320.
Familial temporal lobe epilepsy 7. Identifiers: Orphanet 101046, MedGen C4225327, MONDO:0014639, OMIM 616436.

Allele frequency attached by ClinVar (database versions not stated): gnomAD exomes below 0.00001; ExAC 0.00001.
gnomAD v4.1: 2 of 1,614,184 alleles (0.00012%); highest among the groups gnomAD compares: Non-Finnish European, 0.00017%; no homozygotes.

Submission:

Labcorp Genetics (formerly Invitae), Labcorp
Classification: Uncertain significance for Familial temporal lobe epilepsy 7; Norman-Roberts syndrome. Last evaluated: 2024-01-29. Review status: criteria provided, single submitter. Criteria: Invitae Variant Classification Sherloc (09022015). Collection method: clinical testing. Allele origin: germline.
Comment: This sequence change replaces arginine, which is basic and polar, with serine, which is neutral and polar, at codon 2694 of the RELN protein (p.Arg2694Ser). The frequency data for this variant in the population databases is considered unreliable, as metrics indicate poor data quality at this position in the gnomAD database. This variant has not been reported in the literature in individuals affected with RELN-related conditions. ClinVar contains an entry for this variant (Variation ID: 862291). Advanced modeling of protein sequence and biophysical properties (such as structural, functional, and spatial information, amino acid conservation, physicochemical variation, residue mobility, and thermodynamic stability) performed at Invitae indicates that this missense variant is not expected to disrupt RELN protein function with a negative predictive value of 80%. In summary, the available evidence is currently insufficient to determine the role of this variant in disease. Therefore, it has been classified as a Variant of Uncertain Significance.

NM_005045.4(RELN):c.8082G>C (p.Arg2694Ser)

Gene: RELN (reelin; minus strand). Cytogenetic location: 7q22.1.
Variant type: single nucleotide variant.
Coding change: c.8082G>C on transcript NM_005045.4 (MANE Select); coding-DNA position 8082, G replaced by C.
Protein change: p.Arg2694Ser; replaces arginine 2694 with serine.
Molecular consequence: missense variant.
Genome position (GRCh38, 1-based): chr7:103,515,222, C>G on the plus strand (G>C on the coding strand, the complement: RELN is on the minus strand). VCF-style: chr7-103515222-C-G. GRCh37 (hg19) VCF-style: chr7-103155669-C-G.
Other names: c.8082G>C, p.Arg2694Ser (NM_173054.3); short protein forms R2694S.
Identifiers: ClinVar variation 862291 (VCV000862291.9), dbSNP rs746311326, ClinGen allele CA4420565.